The following is an entry in ClinVar:

ClinVar aggregate classification (germline): Likely benign. Review status: criteria provided, multiple submitters, no conflicts (2 of 4 stars). 3 submissions from 3 submitters: Likely benign (2). 1 of the submissions does not count toward it. Last evaluated 2026-01-19.

Conditions:
Cardiovascular phenotype. Identifiers: MedGen CN230736.
ZNF469-related disorder. Also called: ZNF469-related condition.

Allele frequency attached by ClinVar (database versions not stated): gnomAD 0.00002; gnomAD exomes 0.00003; TOPMed 0.00004; 1000 Genomes Project 30x 0.00016; 1000 Genomes Project 0.00020.
gnomAD v4.1: 39 of 1,549,644 alleles (0.0025%); highest among the groups gnomAD compares: Admixed American, 0.0098%; 1 homozygote.

Submissions (3):

Labcorp Genetics (formerly Invitae), Labcorp
Classification: Likely benign. Last evaluated: 2026-01-19. Review status: criteria provided, single submitter. Criteria: Invitae Variant Classification Sherloc (09022015). Collection method: clinical testing. Allele origin: germline.

Ambry Genetics
Classification: Likely benign for Cardiovascular phenotype. Last evaluated: 2021-08-10. Review status: criteria provided, single submitter. Criteria: Ambry Variant Classification Scheme 2023. Collection method: clinical testing. Allele origin: germline.

PreventionGenetics, part of Exact Sciences
Classification: Likely benign for ZNF469-related condition. Last evaluated: 2023-06-13. Review status: no assertion criteria provided. Collection method: clinical testing. Allele origin: germline. Not counted in ClinVar's aggregate classification.
Comment: This variant is classified as likely benign based on ACMG/AMP sequence variant interpretation guidelines (Richards et al. 2015 PMID: 25741868, with internal and published modifications).

NM_001367624.2(ZNF469):c.8775G>A (p.Pro2925=)

Gene: ZNF469 (zinc finger protein 469; plus strand). Cytogenetic location: 16q24.2.
Variant type: single nucleotide variant.
Coding change: c.8775G>A on transcript NM_001367624.2 (MANE Select); coding-DNA position 8775, G replaced by A.
Protein change: p.Pro2925=; no amino-acid change (proline 2925 retained).
Molecular consequence: synonymous variant.
Genome position (GRCh38, 1-based): chr16:88,436,245, G>A. VCF-style: chr16-88436245-G-A. GRCh37 (hg19) VCF-style: chr16-88502653-G-A.
Other names: NM_001127464.1:c.8691G>A; NM_001127464.2:c.8691G>A.
Identifiers: ClinVar variation 1764324 (VCV001764324.9), dbSNP rs188044647, ClinGen allele CA286384584.